The following is an entry in ClinVar:

ClinVar aggregate classification (germline): Uncertain significance. Review status: criteria provided, multiple submitters, no conflicts (2 of 4 stars). 2 submissions from 2 submitters: Uncertain significance (2). Last evaluated 2024-03-27.

Conditions:
Primary dilated cardiomyopathy (DCM). Also called: Dilated Cardiomyopathy. Identifiers: Orphanet 217604, MedGen C0007193, MeSH D002311, MONDO:0005021, HP:0001644. Inheritance: Various modes of inheritance.
Hypertrophic cardiomyopathy. Also called: HYPERTROPHIC MYOCARDIOPATHY. Identifiers: Orphanet 217569, MedGen C0007194, MeSH D002312, MONDO:0005045, HP:0001639.

Allele frequency attached by ClinVar (database versions not stated): TOPMed below 0.00001; gnomAD 0.00001; gnomAD exomes 0.00002; ExAC 0.00013.
gnomAD v4.1: 33 of 1,600,012 alleles (0.0021%); highest among the groups gnomAD compares: East Asian, 0.059%; no homozygotes.

Submissions (2):

Ambry Genetics
Classification: Uncertain significance. Last evaluated: 2024-03-27. Review status: criteria provided, single submitter. Criteria: Ambry Variant Classification Scheme 2023. Collection method: clinical testing. Allele origin: germline.
Comment: The p.V5A variant (also known as c.14T>C), located in coding exon 1 of the PDLIM3 gene, results from a T to C substitution at nucleotide position 14. The valine at codon 5 is replaced by alanine, an amino acid with similar properties. This amino acid position is conserved. In addition, the in silico prediction for this alteration is inconclusive. Since supporting evidence is limited at this time, the clinical significance of this alteration remains unclear.

Labcorp Genetics (formerly Invitae), Labcorp
Classification: Uncertain significance for Hypertrophic cardiomyopathy; Primary dilated cardiomyopathy. Last evaluated: 2022-09-06. Review status: criteria provided, single submitter. Criteria: Invitae Variant Classification Sherloc (09022015). Collection method: clinical testing. Allele origin: germline.
Comment: This variant has not been reported in the literature in individuals affected with PDLIM3-related conditions. Algorithms developed to predict the effect of missense changes on protein structure and function (SIFT, PolyPhen-2, Align-GVGD) all suggest that this variant is likely to be disruptive. In summary, the available evidence is currently insufficient to determine the role of this variant in disease. Therefore, it has been classified as a Variant of Uncertain Significance. This sequence change replaces valine, which is neutral and non-polar, with alanine, which is neutral and non-polar, at codon 5 of the PDLIM3 protein (p.Val5Ala). This variant is present in population databases (rs751837590, gnomAD 0.06%).

NM_014476.6(PDLIM3):c.14T>C (p.Val5Ala)

Gene: PDLIM3 (PDZ and LIM domain 3; minus strand). Cytogenetic location: 4q35.1.
Variant type: single nucleotide variant.
Coding change: c.14T>C on transcript NM_014476.6 (MANE Select); coding-DNA position 14, T replaced by C.
Protein change: p.Val5Ala; replaces valine 5 with alanine.
Molecular consequence: missense variant. On other transcripts: non-coding transcript variant (1).
Genome position (GRCh38, 1-based): chr4:185,535,421, A>G on the plus strand (T>C on the coding strand, the complement: PDLIM3 is on the minus strand). VCF-style: chr4-185535421-A-G. GRCh37 (hg19) VCF-style: chr4-186456575-A-G.
Other names: c.14T>C, p.Val5Ala (NM_001114107.5, NM_001257962.2, NM_001257963.2); short protein forms V5A.
Identifiers: ClinVar variation 1773989 (VCV001773989.7), dbSNP rs751837590, ClinGen allele CA3159934.
Genomic context (GRCh38, chr4:185,535,421, plus strand): 5'-TGGTTGAAGTCTATGCCCCCTGAGAGCCTGAAGCCCCAGGGCGCAGGGCCCGGGAGGATC[A>G]CCGTCTGGGGCATGCCGCCTTCCTCCCGCCCACCGGGCTCTAAGTGTCCCCGCGCAGGGC-3'
Protein context (NP_055291.2, residues 1-15): MPQT[Val5Ala]ILPGPAPWGF